The following is an entry in ClinVar:

NM_020987.5(ANK3):c.6785G>A (p.Gly2262Asp)

Genes: ANK3 (ankyrin 3; minus strand), LOC130003862 (ATAC-STARR-seq lymphoblastoid active region 3393; plus strand). Cytogenetic location: 10q21.2.
Variant type: single nucleotide variant.
Coding change: c.6785G>A on transcript NM_020987.5 (MANE Select); coding-DNA position 6785, G replaced by A.
Protein change: p.Gly2262Asp; replaces glycine 2262 with aspartic acid.
Molecular consequence: missense variant. On other transcripts: intron variant (4).
Genome position (GRCh38, 1-based): chr10:60,074,096, C>T on the plus strand (G>A on the coding strand, the complement: ANK3 is on the minus strand). VCF-style: chr10-60074096-C-T. GRCh37 (hg19) VCF-style: chr10-61833854-C-T.
Other names: c.4388-6087G>A (NM_001204403.2); c.4409-6087G>A (NM_001204404.2); c.4406-6087G>A (NM_001320874.2); c.1808-6087G>A (NM_001149.4); short protein forms G2262D.
Identifiers: ClinVar variation 1955954 (VCV001955954.5), dbSNP rs768862616, ClinGen allele CA207325635.
Genomic context (GRCh38, chr10:60,074,096, plus strand): 5'-GACTGAAAGGCCTTCATGATGTCATGGACTGACATGGTTTCTTCAATTCTTTCAGATGCA[C>T]CTTCACCGCCTGGTGGAGAATGATAAACCATTCTGGTGGTTGTGGTTATGTGAGTCTCTT-3'
Protein context (NP_066267.2, residues 2252-2272): MVYHSPPGGE[Gly2262Asp]ASERIEETMS

ClinVar aggregate classification (germline): Uncertain significance (1 of 4 stars; one submission).

gnomAD v4.1: 1 of 1,613,924 alleles (0.000062%); no homozygotes.

Submission:

Labcorp Genetics (formerly Invitae), Labcorp
Classification: Uncertain significance. Last evaluated: 2025-09-05. Review status: criteria provided, single submitter. Criteria: Invitae Variant Classification Sherloc (09022015). Collection method: clinical testing. Allele origin: germline.
Comment: This sequence change replaces glycine, which is neutral and non-polar, with aspartic acid, which is acidic and polar, at codon 2262 of the ANK3 protein (p.Gly2262Asp). This variant is not present in population databases (gnomAD no frequency). This variant has not been reported in the literature in individuals affected with ANK3-related conditions. ClinVar contains an entry for this variant (Variation ID: 1955954). An algorithm developed to predict the effect of missense changes on protein structure and function (PolyPhen-2) suggests that this variant is likely to be tolerated. In summary, the available evidence is currently insufficient to determine the role of this variant in disease. Therefore, it has been classified as a Variant of Uncertain Significance.